The following is an entry in ClinVar:

NM_001458.5(FLNC):c.2029C>G (p.Leu677Val)

Gene: FLNC (filamin C; plus strand). Cytogenetic location: 7q32.1.
Variant type: single nucleotide variant.
Coding change: c.2029C>G on transcript NM_001458.5 (MANE Select); coding-DNA position 2029, C replaced by G.
Protein change: p.Leu677Val; replaces leucine 677 with valine.
Molecular consequence: missense variant.
Genome position (GRCh38, 1-based): chr7:128,841,475, C>G. VCF-style: chr7-128841475-C-G. GRCh37 (hg19) VCF-style: chr7-128481529-C-G.
Other names: c.2029C>G, p.Leu677Val (NM_001127487.2); short protein forms L677V.
Identifiers: ClinVar variation 1314549 (VCV001314549.7), dbSNP rs754331955, ClinGen allele CA4474568.

ClinVar aggregate classification (germline): Conflicting classifications of pathogenicity. Review status: criteria provided, conflicting classifications (1 of 4 stars). 3 submissions from 3 submitters: Uncertain significance (2); Likely benign (1). Last evaluated 2025-09-07.

Conditions:
Myofibrillar myopathy 5. Also called: Filaminopathy (type); FILAMINOPATHY, AUTOSOMAL DOMINANT. Identifiers: Orphanet 171445, MedGen C1836050, MONDO:0012289, OMIM 609524.
Distal myopathy with posterior leg and anterior hand involvement. Also called: WILLIAMS DISTAL MYOPATHY. Identifiers: Orphanet 63273, MedGen C3279722, MONDO:0013550, OMIM 614065.
Hypertrophic cardiomyopathy 26. Also called: Cardiomyopathy, familial hypertrophic, 26. Identifiers: Orphanet 75249, MedGen C4310749, MONDO:0014883, OMIM 617047.
Cardiovascular phenotype. Identifiers: MedGen CN230736.

Allele frequency attached by ClinVar (database versions not stated): TOPMed below 0.00001; ExAC 0.00001; gnomAD 0.00001; gnomAD exomes 0.00001 and 0.00002.
gnomAD v4.1: 5 of 1,614,044 alleles (0.00031%); highest among the groups gnomAD compares: Admixed American, 0.0083%; no homozygotes.

Submissions (3):

Labcorp Genetics (formerly Invitae), Labcorp
Classification: Likely benign for Distal myopathy with posterior leg and anterior hand involvement; Myofibrillar myopathy 5; Hypertrophic cardiomyopathy 26. Last evaluated: 2025-09-07. Review status: criteria provided, single submitter. Criteria: Invitae Variant Classification Sherloc (09022015). Collection method: clinical testing. Allele origin: germline.

Molecular Diagnostic Laboratory for Inherited Cardiovascular Disease, Montreal Heart Institute
Classification: Uncertain significance for Cardiovascular phenotype. Last evaluated: 2025-04-09. Review status: criteria provided, single submitter. Criteria: ACMG Guidelines, 2015. Collection method: clinical testing. Allele origin: germline. Affected: yes.

GeneDx
Classification: Uncertain significance. Last evaluated: 2021-04-05. Review status: criteria provided, single submitter. Criteria: GeneDx Variant Classification Process June 2021. Collection method: clinical testing. Allele origin: germline. Affected: yes.
Comment: In silico analysis supports that this missense variant does not alter protein structure/function; Has not been previously published as pathogenic or benign to our knowledge